The following is an entry in ClinVar:

ClinVar aggregate classification (germline): Uncertain significance (1 of 4 stars; one submission).

Allele frequency attached by ClinVar (database versions not stated): TOPMed below 0.00001.
gnomAD v4.1: 8 of 1,614,042 alleles (0.0005%); highest among the groups gnomAD compares: Non-Finnish European, 0.00068%; no homozygotes.

Submission:

Labcorp Genetics (formerly Invitae), Labcorp
Classification: Uncertain significance. Last evaluated: 2022-02-21. Review status: criteria provided, single submitter. Criteria: Invitae Variant Classification Sherloc (09022015). Collection method: clinical testing. Allele origin: germline.
Comment: This sequence change replaces alanine, which is neutral and non-polar, with valine, which is neutral and non-polar, at codon 397 of the ACY1 protein (p.Ala397Val). This variant is present in population databases (no rsID available, gnomAD 0.0009%). This variant has not been reported in the literature in individuals affected with ACY1-related conditions. Algorithms developed to predict the effect of missense changes on protein structure and function are either unavailable or do not agree on the potential impact of this missense change (SIFT: "Tolerated"; PolyPhen-2: "Not Available"; Align-GVGD: "Class C0"). In summary, the available evidence is currently insufficient to determine the role of this variant in disease. Therefore, it has been classified as a Variant of Uncertain Significance.

NM_000666.3(ACY1):c.1190C>T (p.Ala397Val)

Genes: ABHD14A-ACY1 (ABHD14A-ACY1 readthrough; plus strand), ACY1 (aminoacylase 1; plus strand). Cytogenetic location: 3p21.2.
Variant type: single nucleotide variant.
Coding change: c.1190C>T on transcript NM_000666.3 (MANE Select); coding-DNA position 1190, C replaced by T.
Protein change: p.Ala397Val; replaces alanine 397 with valine.
Molecular consequence: missense variant.
Genome position (GRCh38, 1-based): chr3:51,989,038, C>T. VCF-style: chr3-51989038-C-T. GRCh37 (hg19) VCF-style: chr3-52023054-C-T.
Other names: c.1460C>T, p.Ala487Val (NM_001316331.2); c.1190C>T, p.Ala397Val (NM_001198895.2); c.974C>T, p.Ala325Val (NM_001198896.2); c.995C>T, p.Ala332Val (NM_001198897.2); c.1085C>T, p.Ala362Val (NM_001198898.2); short protein forms A325V, A362V, A332V, A397V, A487V.
Identifiers: ClinVar variation 1933494 (VCV001933494.2), dbSNP rs770312240, ClinGen allele CA353095370.